The following is an entry in ClinVar:

NM_001371986.1(UNC80):c.5080A>G (p.Met1694Val)

Genes: UNC80 (unc-80 subunit of NALCN channel complex; plus strand), LOC126806490 (P300/CBP strongly-dependent group 1 enhancer GRCh37_chr2:210782411-210783610; plus strand). Cytogenetic location: 2q34.
Variant type: single nucleotide variant.
Coding change: c.5080A>G on transcript NM_001371986.1 (MANE Select); coding-DNA position 5080, A replaced by G.
Protein change: p.Met1694Val; replaces methionine 1694 with valine.
Molecular consequence: missense variant.
Genome position (GRCh38, 1-based): chr2:209,917,827, A>G. VCF-style: chr2-209917827-A-G. GRCh37 (hg19) VCF-style: chr2-210782551-A-G.
Other names: c.4882A>G, p.Met1628Val (NM_032504.2); c.4867A>G, p.Met1623Val (NM_182587.4); short protein forms M1694V, M1623V, M1628V.
Identifiers: ClinVar variation 1910942 (VCV001910942.5), dbSNP rs984390285, ClinGen allele CA65040194.
Genomic context (GRCh38, chr2:209,917,827, plus strand): 5'-CTGTCTCTAGCTGCCATGTTCCTGCTGTGTGCAGTGAAGGTGCCTGAGGCCGTGTCCGAC[A>G]TGCTGATGTCAGAGTTCCACCACCCGGAGACTGTGCAGAGGCTGAACGCTGTCCTCAAGT-3'
Protein context (NP_001358915.1, residues 1684-1704): AVKVPEAVSD[Met1694Val]LMSEFHHPET

ClinVar aggregate classification (germline): Uncertain significance (1 of 4 stars; one submission).

Allele frequency attached by ClinVar (database versions not stated): gnomAD exomes below 0.00001; TOPMed 0.00002; gnomAD 0.00003.

Submission:

Labcorp Genetics (formerly Invitae), Labcorp
Classification: Uncertain significance. Last evaluated: 2022-04-29. Review status: criteria provided, single submitter. Criteria: Invitae Variant Classification Sherloc (09022015). Collection method: clinical testing. Allele origin: germline.
Comment: In summary, the available evidence is currently insufficient to determine the role of this variant in disease. Therefore, it has been classified as a Variant of Uncertain Significance. Algorithms developed to predict the effect of missense changes on protein structure and function are either unavailable or do not agree on the potential impact of this missense change (SIFT: "Not Available"; PolyPhen-2: "Possibly Damaging"; Align-GVGD: "Not Available"). This variant has not been reported in the literature in individuals affected with UNC80-related conditions. This variant is present in population databases (no rsID available, gnomAD 0.003%). This sequence change replaces methionine, which is neutral and non-polar, with valine, which is neutral and non-polar, at codon 1628 of the UNC80 protein (p.Met1628Val).